The following is an entry in ClinVar:

NM_001367949.2(FAT3):c.3435C>T (p.Ala1145=)

Gene: FAT3 (FAT atypical cadherin 3; plus strand). Cytogenetic location: 11q14.3.
Variant type: single nucleotide variant.
Coding change: c.3435C>T on transcript NM_001367949.2 (MANE Select); coding-DNA position 3435, C replaced by T.
Protein change: p.Ala1145=; no amino-acid change (alanine 1145 retained).
Molecular consequence: synonymous variant.
Genome position (GRCh38, 1-based): chr11:92,524,776, C>T. VCF-style: chr11-92524776-C-T. GRCh37 (hg19) VCF-style: chr11-92257942-C-T.
Other names: c.3435C>T, p.Ala1145= (NM_001008781.3, NM_001378141.1).
Identifiers: ClinVar variation 3034049 (VCV003034049.2), dbSNP rs925897616, ClinGen allele CA226934298.

ClinVar aggregate classification (germline): Likely benign (0 of 4 stars; one submission).

Conditions:
FAT3-related disorder. Also called: FAT3-related condition.

Allele frequency attached by ClinVar (database versions not stated): gnomAD exomes below 0.00001; TOPMed 0.00001.
gnomAD v4.1: 10 of 1,613,578 alleles (0.00062%); highest among the groups gnomAD compares: Admixed American, 0.0083%; no homozygotes.

Submission:

PreventionGenetics, part of Exact Sciences
Classification: Likely benign for FAT3-related condition. Last evaluated: 2019-06-12. Review status: no assertion criteria provided. Collection method: clinical testing. Allele origin: germline.
Comment: This variant is classified as likely benign based on ACMG/AMP sequence variant interpretation guidelines (Richards et al. 2015 PMID: 25741868, with internal and published modifications).